The following is an entry in ClinVar:

NM_001317162.2(PLAGL1):c.911A>C (p.Asn304Thr)

Gene: PLAGL1 (PLAG1 like zinc finger 1; minus strand). Cytogenetic location: 6q24.2.
Variant type: single nucleotide variant.
Coding change: c.911A>C on transcript NM_001317162.2 (MANE Select); coding-DNA position 911, A replaced by C.
Protein change: p.Asn304Thr; replaces asparagine 304 with threonine.
Molecular consequence: missense variant.
Genome position (GRCh38, 1-based): chr6:143,941,905, T>G on the plus strand (A>C on the coding strand, the complement: PLAGL1 is on the minus strand). VCF-style: chr6-143941905-T-G. GRCh37 (hg19) VCF-style: chr6-144263042-T-G.
Other names: c.911A>C, p.Asn304Thr (NM_001080951.3, NM_001080952.3, NM_001080953.3 and 14 more transcripts); c.755A>C, p.Asn252Thr (NM_001080955.3, NM_001080956.3, NM_001289037.2 and 6 more transcripts); short protein forms N252T, N304T.
Identifiers: ClinVar variation 780121 (VCV000780121.7), dbSNP rs147054773, ClinGen allele CA4031356.

ClinVar aggregate classification (germline): Likely benign. Review status: criteria provided, multiple submitters, no conflicts (2 of 4 stars). 4 submissions from 4 submitters: Likely benign (3). 1 of the submissions does not count toward it. Last evaluated 2024-11-25.

Conditions:
PLAGL1-related disorder. Also called: PLAGL1-related condition.

Allele frequency attached by ClinVar (database versions not stated): TOPMed 0.00151; gnomAD 0.00176 and 0.00192; ESP Exome Variant Server 0.00200; 1000 Genomes Project 0.00220; ExAC 0.00221; 1000 Genomes Project 30x 0.00265.

Submissions (4):

Blueprint Genetics
Classification: Likely benign. Last evaluated: 2024-11-25. Review status: criteria provided, single submitter. Criteria: ACMG Guidelines, 2015. Collection method: clinical testing. Allele origin: germline.

Labcorp Genetics (formerly Invitae), Labcorp
Classification: Likely benign. Last evaluated: 2017-11-14. Review status: criteria provided, single submitter. Criteria: Invitae Variant Classification Sherloc (09022015). Collection method: clinical testing. Allele origin: germline.

Breakthrough Genomics
Classification: Likely benign. Review status: criteria provided, single submitter. Criteria: ACMG Guidelines, 2015. Collection method: not provided. Allele origin: germline. Inheritance: Unknown mechanism. Affected: yes.

PreventionGenetics, part of Exact Sciences
Classification: Likely benign for PLAGL1-related condition. Last evaluated: 2022-02-01. Review status: no assertion criteria provided. Collection method: clinical testing. Allele origin: germline. Not counted in ClinVar's aggregate classification.
Comment: This variant is classified as likely benign based on ACMG/AMP sequence variant interpretation guidelines (Richards et al. 2015 PMID: 25741868, with internal and published modifications).